The following is an entry in ClinVar:

ClinVar aggregate classification (germline): Uncertain significance (1 of 4 stars; one submission).

Submission:

GeneDx
Classification: Uncertain significance. Last evaluated: 2025-04-21. Review status: criteria provided, single submitter. Criteria: GeneDx Variant Classification Process June 2021. Collection method: clinical testing. Allele origin: germline. Affected: yes.
Comment: Not observed at significant frequency in large population cohorts (gnomAD); In-frame deletion of 1 amino acid in a non-repeat region; In silico analysis indicates that this variant does not alter protein structure/function; Has not been previously published as pathogenic or benign to our knowledge

NM_006236.3(POU3F3):c.102_104del (p.Gly43del)

Gene: POU3F3 (POU class 3 homeobox 3; plus strand). Cytogenetic location: 2q12.1.
Variant type: Deletion.
Coding change: c.102_104del on transcript NM_006236.3 (MANE Select); coding-DNA positions 102 to 104, 3 bases deleted (TGG; older notation c.102_104delTGG).
Protein change: p.Gly43del; deletes glycine 43.
Genome position (GRCh38, 1-based): chr2:104,855,612-104,855,614, TGG deleted; deleting any 3 consecutive bases within chr2:104,855,610-104,855,614 gives the same sequence; the c. name uses the placement nearest the transcript's 3' end. VCF-style (leftmost placement, unchanged base first): chr2-104855609-GGGT-G. GRCh37 (hg19) VCF-style: chr2-105472067-GGGT-G.
Other names: c.102_104del, p.Gly43del (NM_001433704.1); short protein forms G43del.
Identifiers: ClinVar variation 4527439 (VCV004527439.1).